The following is an entry in ClinVar:

NM_031220.4(PITPNM3):c.2704A>G (p.Ile902Val)

Gene: PITPNM3 (PITPNM family member 3; minus strand). Cytogenetic location: 17p13.2.
Variant type: single nucleotide variant.
Coding change: c.2704A>G on transcript NM_031220.4 (MANE Select); coding-DNA position 2704, A replaced by G.
Protein change: p.Ile902Val; replaces isoleucine 902 with valine.
Molecular consequence: missense variant.
Genome position (GRCh38, 1-based): chr17:6,455,559, T>C on the plus strand (A>G on the coding strand, the complement: PITPNM3 is on the minus strand). VCF-style: chr17-6455559-T-C. GRCh37 (hg19) VCF-style: chr17-6358879-T-C.
Other names: c.2596A>G, p.Ile866Val (NM_001165966.2); short protein forms I866V, I902V.
Identifiers: ClinVar variation 947975 (VCV000947975.9), dbSNP rs1914054083, ClinGen allele CA397401131.
Genomic context (GRCh38, chr17:6,455,559, plus strand): 5'-GGTTGCGCTTCCGCAGGAACTCTGGCTGCGCGTGCAGCCCGAAGCTGCCCTTGCGCAGGA[T>C]CATGCGCGAGTTGTTCTTCTTTGGGCGTGAGCGGTGGCTGGCCTCCAGCGCGGCCAGGTG-3'
Protein context (NP_112497.2, residues 892-912): SRPKKNNSRM[Ile902Val]LRKGSFGLHA

ClinVar aggregate classification (germline): Uncertain significance (1 of 4 stars; one submission).

Submission:

Labcorp Genetics (formerly Invitae), Labcorp
Classification: Uncertain significance. Last evaluated: 2021-12-29. Review status: criteria provided, single submitter. Criteria: Invitae Variant Classification Sherloc (09022015). Collection method: clinical testing. Allele origin: germline.
Comment: In summary, the available evidence is currently insufficient to determine the role of this variant in disease. Therefore, it has been classified as a Variant of Uncertain Significance. Algorithms developed to predict the effect of missense changes on protein structure and function output the following: SIFT: "Tolerated"; PolyPhen-2: "Benign"; Align-GVGD: "Class C0". The valine amino acid residue is found in multiple mammalian species, which suggests that this missense change does not adversely affect protein function. ClinVar contains an entry for this variant (Variation ID: 947975). This variant has not been reported in the literature in individuals affected with PITPNM3-related conditions. This variant is not present in population databases (gnomAD no frequency). This sequence change replaces isoleucine, which is neutral and non-polar, with valine, which is neutral and non-polar, at codon 902 of the PITPNM3 protein (p.Ile902Val).